The following is an entry in ClinVar:

ClinVar aggregate classification (germline): Uncertain significance (1 of 4 stars; one submission).

Conditions:
Naxos disease (NXD). Also called: WOOLLY HAIR, PALMOPLANTAR KERATODERMA, AND CARDIAC ABNORMALITIES; KERATOSIS PALMOPLANTARIS WITH ARRHYTHMOGENIC CARDIOMYOPATHY; MAL DE NAXOS; CARDIOMYOPATHY, ARRHYTHMOGENIC RIGHT VENTRICULAR, WITH SKIN, HAIR, AND NAIL ABNORMALITIES; PALMOPLANTAR KERATODERMA WITH ARRHYTHMOGENIC RIGHT VENTRICULAR CARDIOMYOPATHY AND WOOLLY HAIR. Identifiers: Orphanet 34217, MedGen C1832600, MONDO:0011017, OMIM 601214.
Arrhythmogenic right ventricular dysplasia 12. Also called: ARRHYTHMOGENIC RIGHT VENTRICULAR DYSPLASIA, FAMILIAL, 12. Identifiers: MedGen C1969081, MONDO:0012684, OMIM 611528.

Allele frequency attached by ClinVar (database versions not stated): gnomAD 0.00001; gnomAD exomes 0.00001; TOPMed 0.00001; ExAC 0.00002.
gnomAD v4.1: 22 of 1,613,940 alleles (0.0014%); highest among the groups gnomAD compares: South Asian, 0.015%; no homozygotes.

Submission:

Labcorp Genetics (formerly Invitae), Labcorp
Classification: Uncertain significance for Arrhythmogenic right ventricular dysplasia 12; Naxos disease. Last evaluated: 2023-03-20. Review status: criteria provided, single submitter. Criteria: Invitae Variant Classification Sherloc (09022015). Collection method: clinical testing. Allele origin: germline.
Comment: This sequence change replaces arginine, which is basic and polar, with cysteine, which is neutral and slightly polar, at codon 465 of the JUP protein (p.Arg465Cys). In summary, the available evidence is currently insufficient to determine the role of this variant in disease. Therefore, it has been classified as a Variant of Uncertain Significance. An algorithm developed to predict the effect of missense changes on protein structure and function (PolyPhen-2) suggests that this variant is likely to be disruptive. ClinVar contains an entry for this variant (Variation ID: 2178884). This missense change has been observed in individual(s) with arrhythmogenic right ventricular cardiomyopathy (PMID: 25765472). This variant is present in population databases (rs782513393, gnomAD 0.01%).

Literature cited by the submitters: PubMed 25765472.

NM_002230.4(JUP):c.1393C>T (p.Arg465Cys)

Gene: JUP (junction plakoglobin; minus strand). Cytogenetic location: 17q21.2.
Variant type: single nucleotide variant.
Coding change: c.1393C>T on transcript NM_002230.4 (MANE Select); coding-DNA position 1393, C replaced by T.
Protein change: p.Arg465Cys; replaces arginine 465 with cysteine.
Molecular consequence: missense variant.
Genome position (GRCh38, 1-based): chr17:41,763,087, G>A on the plus strand (C>T on the coding strand, the complement: JUP is on the minus strand). VCF-style: chr17-41763087-G-A. GRCh37 (hg19) VCF-style: chr17-39919339-G-A.
Other names: c.1393C>T, p.Arg465Cys (NM_001352773.2, NM_001352774.2, NM_001352775.2 and 3 more transcripts); short protein forms R465C.
Identifiers: ClinVar variation 2178884 (VCV002178884.2), dbSNP rs782513393, ClinGen allele CA8565219.